The following is an entry in ClinVar:

NM_182925.5(FLT4):c.2741G>A (p.Gly914Glu)

Gene: FLT4 (fms related receptor tyrosine kinase 4; minus strand). Cytogenetic location: 5q35.3.
Variant type: single nucleotide variant.
Coding change: c.2741G>A on transcript NM_182925.5 (MANE Select); coding-DNA position 2741, G replaced by A.
Protein change: p.Gly914Glu; replaces glycine 914 with glutamic acid.
Molecular consequence: missense variant.
Genome position (GRCh38, 1-based): chr5:180,619,273, C>T on the plus strand (G>A on the coding strand, the complement: FLT4 is on the minus strand). VCF-style: chr5-180619273-C-T. GRCh37 (hg19) VCF-style: chr5-180046273-C-T.
Other names: c.2741G>A, p.Gly914Glu (NM_001354989.2, NM_002020.5); short protein forms G914E.
Identifiers: ClinVar variation 3900720 (VCV003900720.1).

ClinVar aggregate classification (germline): Likely pathogenic (1 of 4 stars; one submission).

Conditions:
Hereditary lymphedema type I (LMPHM1). Also called: LYMPHATIC MALFORMATION 1; Milroy Disease; Nonne-Milroy disease; Congenital hereditary lymphedema; Early onset lymphedema; Hereditary lymphedema 1. Identifiers: Orphanet 79452, MedGen C1704423, MONDO:0007919, OMIM 153100.

Submission:

MVZ Medizinische Genetik Mainz
Classification: Likely pathogenic for Hereditary lymphedema type I. Last evaluated: 2025-05-05. Review status: criteria provided, single submitter. Criteria: UK Practice Guidelines For Variant Classification V4 01 2020. Collection method: clinical testing. Allele origin: germline. Inheritance: Autosomal dominant inheritance. Affected: yes. Observed: 1 variant allele.
Comment: ACMG Criteria: PM1,PP3_MOD,PM2_SUP,PM5_SUP,PP4